The following is an entry in ClinVar:

NM_017649.5(CNNM2):c.516C>G (p.Ile172Met)

Gene: CNNM2 (cyclin and CBS domain divalent metal cation transport mediator 2; plus strand). Cytogenetic location: 10q24.32.
Variant type: single nucleotide variant.
Coding change: c.516C>G on transcript NM_017649.5 (MANE Select); coding-DNA position 516, C replaced by G.
Protein change: p.Ile172Met; replaces isoleucine 172 with methionine.
Molecular consequence: missense variant.
Genome position (GRCh38, 1-based): chr10:102,918,996, C>G. VCF-style: chr10-102918996-C-G. GRCh37 (hg19) VCF-style: chr10-104678753-C-G.
Other names: c.516C>G, p.Ile172Met (NM_199076.3, NM_199077.3); short protein forms I172M.
Identifiers: ClinVar variation 4882554 (VCV004882554.2).
Genomic context (GRCh38, chr10:102,918,996, plus strand): 5'-CCGCACCTCAGACATCATCATCTTGCCCCACATCATTCTCAACCGCCGCACCTCGGGCAT[C>G]ATCGAGATCGAGATCAAACCGCTACGCAAGATGGAGAAGAGCAAGTCCTATTACCTGTGC-3'
Protein context (NP_060119.3, residues 162-182): HIILNRRTSG[Ile172Met]IEIEIKPLRK

ClinVar aggregate classification (germline): Uncertain significance (1 of 4 stars; one submission).

Conditions:
Hypomagnesemia, seizures, and impaired intellectual development 1. Also called: Hypomagnesemia, seizures, and intellectual disability 1. Identifiers: Orphanet 34527, MedGen C4225333, MONDO:0020787, OMIM 616418.

Submission:

Dasa
Classification: Uncertain significance for Hypomagnesemia, seizures, and impaired intellectual development 1. Last evaluated: 2025-05-05. Review status: criteria provided, single submitter. Criteria: DASA Assertion Criteria. Collection method: clinical testing. Allele origin: germline.
Comment: NM_017649.5(CNNM2):c.516C>G (p.Ile172Met) is a missense variant that results in the substitution of isoleucine with methionine. This variant is absent from population databases. Computational prediction algorithms are consistent with a benign effect. The currently available literature and clinical evidence are not sufficient to establish a definitive association between this variant and the reported condition. Therefore, this variant is classified as a variant of uncertain significance.